The following is an entry in ClinVar:

ClinVar aggregate classification (germline): Uncertain significance (1 of 4 stars; one submission).

Conditions:
NLGN1-related disorder. Also called: NLGN1-related condition.

gnomAD v4.1: 4 of 1,612,884 alleles (0.00025%); highest among the groups gnomAD compares: African/African-American, 0.0053%; no homozygotes.

Submission:

PreventionGenetics, part of Exact Sciences
Classification: Uncertain significance for NLGN1-related condition. Last evaluated: 2026-06-05. Review status: criteria provided, single submitter. Criteria: ACMG Guidelines, 2015. Collection method: clinical testing. Allele origin: germline.
Comment: The NLGN1 c.1063G>C variant is predicted to result in the amino acid substitution p.Ala355Pro. To our knowledge, this variant has not been reported in the literature or in a large population database (gnomAD), indicating this variant is rare. At this time, the clinical significance of this variant is uncertain due to the absence of conclusive functional and genetic evidence.

NM_001365925.2(NLGN1):c.1123G>C (p.Ala375Pro)

Gene: NLGN1 (neuroligin 1; plus strand). Cytogenetic location: 3q26.31.
Variant type: single nucleotide variant.
Coding change: c.1123G>C on transcript NM_001365925.2 (MANE Select); coding-DNA position 1123, G replaced by C.
Protein change: p.Ala375Pro; replaces alanine 375 with proline.
Molecular consequence: missense variant.
Genome position (GRCh38, 1-based): chr3:174,279,064, G>C. VCF-style: chr3-174279064-G-C. GRCh37 (hg19) VCF-style: chr3-173996854-G-C.
Other names: c.1123G>C, p.Ala375Pro (NM_001365923.2, NM_001365924.2, NM_001365926.2 and 2 more transcripts); c.1063G>C, p.Ala355Pro (NM_001365929.2, NM_001365930.2, NM_001365931.2 and 3 more transcripts); c.1036G>C, p.Ala346Pro (NM_001365934.2, NM_001365935.2, NM_001365936.2); short protein forms A375P, A346P, A355P.
Identifiers: ClinVar variation 4984313 (VCV004984313.1).